The following is an entry in ClinVar:

ClinVar aggregate classification (germline): Likely benign (1 of 4 stars; one submission).

Submission:

CeGaT Center for Human Genetics Tuebingen
Classification: Likely benign. Last evaluated: 2025-01-01. Review status: criteria provided, single submitter. Criteria: CeGaT Center For Human Genetics Tuebingen Variant Classification Criteria Version 2. Collection method: clinical testing. Allele origin: germline. Affected: yes. Observed: 1 variant allele.
Comment: OR1S2: BP4, BP7

NM_001004459.2(OR1S2):c.360C>T (p.Phe120=)

Gene: OR1S2 (olfactory receptor family 1 subfamily S member 2; minus strand). Cytogenetic location: 11q12.1.
Variant type: single nucleotide variant.
Coding change: c.360C>T on transcript NM_001004459.2 (MANE Select); coding-DNA position 360, C replaced by T.
Protein change: p.Phe120=; no amino-acid change (phenylalanine 120 retained).
Molecular consequence: synonymous variant.
Genome position (GRCh38, 1-based): chr11:58,203,783, G>A on the plus strand (C>T on the coding strand, the complement: OR1S2 is on the minus strand). VCF-style: chr11-58203783-G-A. GRCh37 (hg19) VCF-style: chr11-57971255-G-A.
Identifiers: ClinVar variation 3771346 (VCV003771346.13).